The following is an entry in ClinVar:

ClinVar aggregate classification (germline): Likely pathogenic. Review status: criteria provided, multiple submitters, no conflicts (2 of 4 stars). 2 submissions from 2 submitters: Likely pathogenic (2). Last evaluated 2026-05-29.

Conditions:
COL2A1-related disorder. Also called: COL2A1-related condition; COL2A1-related disorders.

Submissions (2):

PreventionGenetics, part of Exact Sciences
Classification: Likely pathogenic for COL2A1-related condition. Last evaluated: 2026-05-29. Review status: criteria provided, single submitter. Criteria: ACMG Guidelines, 2015. Collection method: clinical testing. Allele origin: germline.
Comment: The COL2A1 c.2194-2A>G variant is predicted to disrupt the AG splice acceptor site and interfere with normal splicing. To our knowledge, this variant has not been reported in the literature. An alternate variant affecting this same splice site (c.2194-1G>A) has been reported in an individual with Stickler syndrome (Richards et al. 2010. PubMed ID: 20513134). This variant is absent in a large population database (gnomAD), indicating this variant is rare. Variants that disrupt the consensus splice acceptor site in COL2A1 are an established mechanism of disease. This variant is interpreted as likely pathogenic.

Labcorp Genetics (formerly Invitae), Labcorp
Classification: Likely pathogenic. Last evaluated: 2023-09-17. Review status: criteria provided, single submitter. Criteria: Invitae Variant Classification Sherloc (09022015). Collection method: clinical testing. Allele origin: germline.
Comment: This sequence change affects an acceptor splice site in intron 33 of the COL2A1 gene. It is expected to disrupt RNA splicing. Variants that disrupt the donor or acceptor splice site typically lead to a loss of protein function (PMID: 16199547), and loss-of-function variants in COL2A1 are known to be pathogenic (PMID: 20179744). In summary, the currently available evidence indicates that the variant is pathogenic, but additional data are needed to prove that conclusively. Therefore, this variant has been classified as Likely Pathogenic. Algorithms developed to predict the effect of sequence changes on RNA splicing suggest that this variant may disrupt the consensus splice site. Disruption of this splice site has been observed in individual(s) with clinical features of Stickler syndrome (Invitae). This variant is not present in population databases (gnomAD no frequency).

Literature cited by the submitters: PubMed 16199547 (cited by Labcorp Genetics (formerly Invitae), Labcorp); PubMed 20179744 (cited by Labcorp Genetics (formerly Invitae), Labcorp).

NM_001844.5(COL2A1):c.2194-2A>G

Gene: COL2A1 (collagen type II alpha 1 chain; minus strand). Cytogenetic location: 12q13.11.
Variant type: single nucleotide variant.
Coding change: c.2194-2A>G on transcript NM_001844.5 (MANE Select); the canonical splice acceptor site of the intron before coding-DNA position 2194, A replaced by G.
Molecular consequence: splice acceptor variant.
Genome position (GRCh38, 1-based): chr12:47,982,611, T>C on the plus strand (A>G on the coding strand, the complement: COL2A1 is on the minus strand). VCF-style: chr12-47982611-T-C. GRCh37 (hg19) VCF-style: chr12-48376394-T-C.
Other names: c.2194-2A>G (NM_001844.4); c.1987-2A>G (NM_033150.3).
Identifiers: ClinVar variation 2827053 (VCV002827053.4), dbSNP rs2540134446, ClinGen allele CA384546385.